The following is an entry in ClinVar:

NM_000218.3(KCNQ1):c.1016T>A (p.Phe339Tyr)

Gene: KCNQ1 (potassium voltage-gated channel subfamily Q member 1; plus strand). Cytogenetic location: 11p15.5.
Variant type: single nucleotide variant.
Coding change: c.1016T>A on transcript NM_000218.3 (MANE Select); coding-DNA position 1016, T replaced by A.
Protein change: p.Phe339Tyr; replaces phenylalanine 339 with tyrosine.
Molecular consequence: missense variant.
Genome position (GRCh38, 1-based): chr11:2,583,529, T>A. VCF-style: chr11-2583529-T-A. GRCh37 (hg19) VCF-style: chr11-2604759-T-A.
Other names: c.1016T>A (LRG_287t1); c.1016T>A, p.Phe339Tyr (NM_001406836.1); c.746T>A, p.Phe249Tyr (NM_001406837.1); c.572T>A, p.Phe191Tyr (NM_001406838.1); c.635T>A, p.Phe212Tyr (NM_181798.2); short protein forms F339Y, F212Y, F191Y, F249Y.
Identifiers: ClinVar variation 67004 (VCV000067004.8), dbSNP rs199472759, ClinGen allele CA004833.

ClinVar aggregate classification (germline): Conflicting classifications of pathogenicity. Review status: criteria provided, conflicting classifications (1 of 4 stars). 3 submissions from 3 submitters: Likely pathogenic (1); Uncertain significance (1). 1 of the submissions does not count toward it. Last evaluated 2022-11-29.

Conditions:
Familial long QT syndrome (RWS). Also called: Congenital long QT syndrome; Romano-Ward syndrome; VENTRICULAR FIBRILLATION WITH PROLONGED QT INTERVAL. Identifiers: Orphanet 768, MedGen C1141890, MONDO:0019171.
Long QT syndrome (LQTS). Identifiers: MedGen C0023976, MeSH D008133, MONDO:0002442. Disease mechanism: loss of function. Inheritance: Various modes of inheritance.
Long QT syndrome 1 (LQT1). Identifiers: Orphanet 101016, Orphanet 768, MedGen C4551647, MONDO:0100316, OMIM 192500, MONDO:0008646.

Submissions (3):

Labcorp Genetics (formerly Invitae), Labcorp
Classification: Likely pathogenic for Long QT syndrome. Last evaluated: 2022-11-29. Review status: criteria provided, single submitter. Criteria: Invitae Variant Classification Sherloc (09022015). Collection method: clinical testing. Allele origin: germline.
Comment: Advanced modeling of protein sequence and biophysical properties (such as structural, functional, and spatial information, amino acid conservation, physicochemical variation, residue mobility, and thermodynamic stability) performed at Invitae indicates that this missense variant is expected to disrupt KCNQ1 protein function. This sequence change replaces phenylalanine, which is neutral and non-polar, with tyrosine, which is neutral and polar, at codon 339 of the KCNQ1 protein (p.Phe339Tyr). This variant is not present in population databases (gnomAD no frequency). This missense change has been observed in individual(s) with suspected long QT syndrome (PMID: 19716085). ClinVar contains an entry for this variant (Variation ID: 67004). This variant disrupts the p.Phe339 amino acid residue in KCNQ1. Other variant(s) that disrupt this residue have been determined to be pathogenic (PMID: 17224687, 19808498, 23291057). This suggests that this residue is clinically significant, and that variants that disrupt this residue are likely to be disease-causing. In summary, the currently available evidence indicates that the variant is pathogenic, but additional data are needed to prove that conclusively. Therefore, this variant has been classified as Likely Pathogenic.

SIB Swiss Institute of Bioinformatics
Classification: Uncertain significance for Long QT syndrome 1. Last evaluated: 2018-10-15. Review status: criteria provided, single submitter. Criteria: ACMG Guidelines, 2015. Collection method: curation. Allele origin: unknown.
Comment: This variant is interpreted as Uncertain Significance - Insufficient Evidence, for Long QT syndrome 1, autosomal dominant. The following ACMG Tag(s) were applied: PM2 => Absent from controls (or at extremely low frequency if recessive) in Exome Sequencing Project, 1000 Genomes Project, or Exome Aggregation Consortium. PM5 => Novel missense change at an amino acid residue where a different missense change determined to be pathogenic has been seen before (PubMed 19808498). PP3 => Multiple lines of computational evidence support a deleterious effect on the gene or gene product.

Cardiovascular Biomedical Research Unit, Royal Brompton & Harefield NHS Foundation Trust
No classification provided. Condition: Familial long QT syndrome. Review status: no classification provided. Collection method: literature only. Allele origin: germline. Not counted in ClinVar's aggregate classification.
Comment: This variant has been reported as associated with Long QT syndrome in the following publications (PMID:19716085). This is a literature report, and does not necessarily reflect the clinical interpretation of the Imperial College / Royal Brompton Cardiovascular Genetics laboratory.

Literature cited by the submitters: PubMed 19716085 (cited by Labcorp Genetics (formerly Invitae), Labcorp and Cardiovascular Biomedical Research Unit, Royal Brompton & Harefield NHS Foundation Trust); PubMed 17224687 (cited by Labcorp Genetics (formerly Invitae), Labcorp); PubMed 19808498 (cited by Labcorp Genetics (formerly Invitae), Labcorp and SIB Swiss Institute of Bioinformatics); PubMed 23291057 (cited by Labcorp Genetics (formerly Invitae), Labcorp); PubMed 22581653 (cited by Cardiovascular Biomedical Research Unit, Royal Brompton & Harefield NHS Foundation Trust).